The following is an entry in ClinVar:

NM_021975.4(RELA):c.1288C>T (p.Gln430Ter)

Gene: RELA (RELA proto-oncogene, NF-kB subunit; minus strand). Cytogenetic location: 11q13.1.
Variant type: single nucleotide variant.
Coding change: c.1288C>T on transcript NM_021975.4 (MANE Select); coding-DNA position 1288, C replaced by T.
Protein change: p.Gln430Ter; replaces glutamine 430 with a stop codon.
Molecular consequence: nonsense. On other transcripts: intron variant (1).
Genome position (GRCh38, 1-based): chr11:65,654,746, G>A on the plus strand (C>T on the coding strand, the complement: RELA is on the minus strand). VCF-style: chr11-65654746-G-A. GRCh37 (hg19) VCF-style: chr11-65422217-G-A.
Other names: c.1279C>T, p.Gln427Ter (NM_001145138.2); c.1081C>T, p.Gln361Ter (NM_001243984.2); c.1321C>T, p.Gln441Ter (NM_001404657.1); c.1261C>T, p.Gln421Ter (NM_001404658.1); c.1075C>T, p.Gln359Ter (NM_001404659.1); c.970C>T, p.Gln324Ter (NM_001404660.1); c.907C>T, p.Gln303Ter (NM_001404661.1); c.1195C>T, p.Gln399Ter (NM_001404662.1, NM_001404663.1); and 1 more; short protein forms Q361*, Q399*, Q324*, Q359*, Q421*, Q303*, Q427*, Q430*.
Identifiers: ClinVar variation 4722965 (VCV004722965.1).

ClinVar aggregate classification (germline): Pathogenic (1 of 4 stars; one submission).

Submission:

Labcorp Genetics (formerly Invitae), Labcorp
Classification: Pathogenic. Last evaluated: 2025-07-15. Review status: criteria provided, single submitter. Criteria: Invitae Variant Classification Sherloc (09022015). Collection method: clinical testing. Allele origin: germline.
Comment: This sequence change creates a premature translational stop signal (p.Gln430*) in the RELA gene. While this is not anticipated to result in nonsense mediated decay, it is expected to disrupt the last 122 amino acid(s) of the RELA protein. This variant is not present in population databases (gnomAD no frequency). This variant has not been reported in the literature in individuals affected with RELA-related conditions. This variant disrupts a region of the RELA protein in which other variant(s) (p.His487Thrfs*7) have been determined to be pathogenic (PMID: 32969189). This suggests that this is a clinically significant region of the protein, and that variants that disrupt it are likely to be disease-causing. For these reasons, this variant has been classified as Pathogenic.

Literature cited by the submitters: PubMed 32969189.